The following is an entry in ClinVar:

NM_001903.5(CTNNA1):c.1619G>C (p.Arg540Pro)

Gene: CTNNA1 (catenin alpha 1; plus strand). Cytogenetic location: 5q31.2.
Variant type: single nucleotide variant.
Coding change: c.1619G>C on transcript NM_001903.5 (MANE Select); coding-DNA position 1619, G replaced by C.
Protein change: p.Arg540Pro; replaces arginine 540 with proline.
Molecular consequence: missense variant.
Genome position (GRCh38, 1-based): chr5:138,924,582, G>C. VCF-style: chr5-138924582-G-C. GRCh37 (hg19) VCF-style: chr5-138260271-G-C.
Other names: c.1619G>C, p.Arg540Pro (NM_001290307.3, NM_001323982.2, NM_001323983.1 and 2 more transcripts); c.1310G>C, p.Arg437Pro (NM_001290309.3); c.1250G>C, p.Arg417Pro (NM_001290310.3); c.509G>C, p.Arg170Pro (NM_001290312.1, NM_001323987.1, NM_001323988.1 and 17 more transcripts); c.1526G>C, p.Arg509Pro (NM_001323986.2); c.170G>C, p.Arg57Pro (NM_001324008.1, NM_001324009.1, NM_001324010.1 and 2 more transcripts); c.416G>C, p.Arg139Pro (NM_001324011.1); c.266G>C, p.Arg89Pro (NM_001324012.1, NM_001324013.1); short protein forms R139P, R540P, R437P, R509P, R170P, R417P, R57P, R89P.
Identifiers: ClinVar variation 843840 (VCV000843840.15), dbSNP rs139655691, ClinGen allele CA361131839.

ClinVar aggregate classification (germline): Uncertain significance. Review status: criteria provided, multiple submitters, no conflicts (2 of 4 stars). 3 submissions from 3 submitters: Uncertain significance (3). Last evaluated 2025-08-14.

Conditions:
Hereditary cancer-predisposing syndrome. Also called: Neoplastic Syndromes, Hereditary; Hereditary neoplastic syndrome; Tumor predisposition; Hereditary Cancer Syndrome. Identifiers: Orphanet 140162, MedGen C0027672, MeSH D009386, MONDO:0015356.

gnomAD v4.1: 1 of 1,614,158 alleles (0.000062%); highest among the groups gnomAD compares: Non-Finnish European, 0.000085%; no homozygotes.

Submissions (3):

Ambry Genetics
Classification: Uncertain significance for Hereditary cancer-predisposing syndrome. Last evaluated: 2025-08-14. Review status: criteria provided, single submitter. Criteria: Ambry Variant Classification Scheme 2023. Collection method: clinical testing. Allele origin: germline.
Comment: The p.R540P variant (also known as c.1619G>C), located in coding exon 11 of the CTNNA1 gene, results from a G to C substitution at nucleotide position 1619. The arginine at codon 540 is replaced by proline, an amino acid with dissimilar properties. In one study, this alteration was identified in 1/151,425 individuals who underwent multi-gene germline genetic testing and classified as a variant of uncertain significance by the authors (Clark DF et al. Genet Med, 2020 05;22:840-846). This amino acid position is highly conserved in available vertebrate species. In addition, this alteration is predicted to be deleterious by in silico analysis. Since supporting evidence is limited at this time, the clinical significance of this alteration remains unclear.

Dasa
Classification: Uncertain significance. Last evaluated: 2024-12-17. Review status: criteria provided, single submitter. Criteria: DASA Assertion Criteria. Collection method: clinical testing. Allele origin: germline.
Comment: NM_001903.5(CTNNA1):c.1619G>C (p.Arg540Pro) is a missense variant that results in the substitution of arginine with proline. This variant is rare in population databases. The currently available literature and clinical evidence are not sufficient to establish a definitive association between this variant and the reported condition. Therefore, this variant is classified as a variant of uncertain significance.

Labcorp Genetics (formerly Invitae), Labcorp
Classification: Uncertain significance. Last evaluated: 2022-07-30. Review status: criteria provided, single submitter. Criteria: Invitae Variant Classification Sherloc (09022015). Collection method: clinical testing. Allele origin: germline.
Comment: Algorithms developed to predict the effect of missense changes on protein structure and function are either unavailable or do not agree on the potential impact of this missense change (SIFT: "Deleterious"; PolyPhen-2: "Possibly Damaging"; Align-GVGD: "Class C0"). This sequence change replaces arginine, which is basic and polar, with proline, which is neutral and non-polar, at codon 540 of the CTNNA1 protein (p.Arg540Pro). This variant is not present in population databases (gnomAD no frequency). This variant has not been reported in the literature in individuals affected with CTNNA1-related conditions. ClinVar contains an entry for this variant (Variation ID: 843840). In summary, the available evidence is currently insufficient to determine the role of this variant in disease. Therefore, it has been classified as a Variant of Uncertain Significance.

Literature cited by the submitters: PubMed 32051609 (cited by Ambry Genetics).